The following is an entry in ClinVar:

ClinVar aggregate classification (germline): Uncertain significance. Review status: criteria provided, multiple submitters, no conflicts (2 of 4 stars). 2 submissions from 2 submitters: Uncertain significance (2). Last evaluated 2025-11-05.

Conditions:
Hereditary nonpolyposis colorectal neoplasms. Identifiers: MedGen C0009405, MeSH D003123.
Hereditary cancer-predisposing syndrome. Also called: Hereditary neoplastic syndrome; Neoplastic Syndromes, Hereditary; Tumor predisposition; Hereditary Cancer Syndrome. Identifiers: Orphanet 140162, MedGen C0027672, MeSH D009386, MONDO:0015356.

Submissions (2):

Ambry Genetics
Classification: Uncertain significance for Hereditary cancer-predisposing syndrome. Last evaluated: 2025-11-05. Review status: criteria provided, single submitter. Criteria: Ambry Variant Classification Scheme 2023. Collection method: clinical testing. Allele origin: germline.
Comment: The p.D268Y variant (also known as c.802G>T), located in coding exon 4 of the MSH6 gene, results from a G to T substitution at nucleotide position 802. The aspartic acid at codon 268 is replaced by tyrosine, an amino acid with highly dissimilar properties. This amino acid position is well conserved in available vertebrate species. In addition, the in silico prediction for this alteration is inconclusive. Based on the available evidence, the clinical significance of this variant remains unclear.

Labcorp Genetics (formerly Invitae), Labcorp
Classification: Uncertain significance for Hereditary nonpolyposis colorectal neoplasms. Last evaluated: 2022-03-23. Review status: criteria provided, single submitter. Criteria: Invitae Variant Classification Sherloc (09022015). Collection method: clinical testing. Allele origin: germline.
Comment: In summary, the available evidence is currently insufficient to determine the role of this variant in disease. Therefore, it has been classified as a Variant of Uncertain Significance. Algorithms developed to predict the effect of missense changes on protein structure and function are either unavailable or do not agree on the potential impact of this missense change (SIFT: "Deleterious"; PolyPhen-2: "Probably Damaging"; Align-GVGD: "Class C0"). ClinVar contains an entry for this variant (Variation ID: 939409). This variant has not been reported in the literature in individuals affected with MSH6-related conditions. This variant is not present in population databases (gnomAD no frequency). This sequence change replaces aspartic acid, which is acidic and polar, with tyrosine, which is neutral and polar, at codon 268 of the MSH6 protein (p.Asp268Tyr).

NM_000179.3(MSH6):c.802G>T (p.Asp268Tyr)

Gene: MSH6 (mutS homolog 6; plus strand). Cytogenetic location: 2p16.3.
Variant type: single nucleotide variant.
Coding change: c.802G>T on transcript NM_000179.3 (MANE Select); coding-DNA position 802, G replaced by T.
Protein change: p.Asp268Tyr; replaces aspartic acid 268 with tyrosine.
Molecular consequence: missense variant. On other transcripts: 5 prime UTR variant (2).
Genome position (GRCh38, 1-based): chr2:47,798,785, G>T. VCF-style: chr2-47798785-G-T. GRCh37 (hg19) VCF-style: chr2-48025924-G-T.
Other names: c.412G>T, p.Asp138Tyr (NM_001281492.2); c.-105G>T (NM_001281493.2, NM_001281494.2); short protein forms D138Y, D268Y.
Identifiers: ClinVar variation 939409 (VCV000939409.13), dbSNP rs1553412217, ClinGen allele CA346740336.
Genomic context (GRCh38, chr2:47,798,785, plus strand): 5'-CGAAGGGTCATATCAGATTCTGAGAGTGACATTGGTGGCTCTGATGTGGAATTTAAGCCA[G>T]ACACTAAGGAGGAAGGAAGCAGTGATGAAATAAGCAGTGGAGTGGGGGATAGTGAGAGTG-3'
Protein context (NP_000170.1, residues 258-278): IGGSDVEFKP[Asp268Tyr]TKEEGSSDEI